The following is an entry in ClinVar:

NM_025137.4(SPG11):c.2906G>A (p.Gly969Asp)

Gene: SPG11 (SPG11 vesicle trafficking associated, spatacsin; minus strand). Cytogenetic location: 15q21.1.
Variant type: single nucleotide variant.
Coding change: c.2906G>A on transcript NM_025137.4 (MANE Select); coding-DNA position 2906, G replaced by A.
Protein change: p.Gly969Asp; replaces glycine 969 with aspartic acid.
Molecular consequence: missense variant.
Genome position (GRCh38, 1-based): chr15:44,615,495, C>T on the plus strand (G>A on the coding strand, the complement: SPG11 is on the minus strand). VCF-style: chr15-44615495-C-T. GRCh37 (hg19) VCF-style: chr15-44907693-C-T.
Other names: c.2906G>A, p.Gly969Asp (NM_001160227.2); short protein forms G969D.
Identifiers: ClinVar variation 852131 (VCV000852131.9), dbSNP rs2083570700, ClinGen allele CA392229502.
Genomic context (GRCh38, chr15:44,615,495, plus strand): 5'-TGGAAATCCCAACCTTCTTTGGTCTTGTAGTTTTGAACAGGGAGGGTATCCTGTATTACA[C>T]CTCCAATACGGCTCAGTCTTAGGAGGAAGCATTCAAAGTCTTCCAGTTCAGATGCCAAAA-3'
Protein context (NP_079413.3, residues 959-979): CFLLRLSRIG[Gly969Asp]VIQDTLPVQN

ClinVar aggregate classification (germline): Uncertain significance (1 of 4 stars; one submission).

Conditions:
Hereditary spastic paraplegia 11. Also called: Nakamura Osame syndrome; Autosomal recessive hereditary spastic paraplegia, mental impairment, and thin corpus callosum; SPASTIC PARAPLEGIA, AUTOSOMAL RECESSIVE, COMPLICATED, WITH THIN CORPUS CALLOSUM; SPASTIC PARAPLEGIA, AUTOSOMAL RECESSIVE, WITH MENTAL IMPAIRMENT AND THIN CORPUS CALLOSUM; Spastic paraplegia, mental retardation and thin corpus callosum; Spastic Paraplegia 11. Identifiers: Orphanet 2822, MedGen C1858479, MONDO:0011445, OMIM 604360.

Submission:

Labcorp Genetics (formerly Invitae), Labcorp
Classification: Uncertain significance for Hereditary spastic paraplegia 11. Last evaluated: 2019-03-05. Review status: criteria provided, single submitter. Criteria: Invitae Variant Classification Sherloc (09022015). Collection method: clinical testing. Allele origin: germline.
Comment: In summary, the available evidence is currently insufficient to determine the role of this variant in disease. Therefore, it has been classified as a Variant of Uncertain Significance. Algorithms developed to predict the effect of missense changes on protein structure and function are either unavailable or do not agree on the potential impact of this missense change (SIFT: "Tolerated"; PolyPhen-2: "Probably Damaging"; Align-GVGD: "Class C0"). This variant has not been reported in the literature in individuals with SPG11-related conditions. This variant is not present in population databases (ExAC no frequency). This sequence change replaces glycine with aspartic acid at codon 969 of the SPG11 protein (p.Gly969Asp). The glycine residue is highly conserved and there is a moderate physicochemical difference between glycine and aspartic acid.